The following is an entry in ClinVar:

ClinVar aggregate classification (germline): Uncertain significance. Review status: criteria provided, multiple submitters, no conflicts (2 of 4 stars). 2 submissions from 2 submitters: Uncertain significance (2). Last evaluated 2025-01-08.

Conditions:
Inborn genetic diseases. Identifiers: MedGen C0950123, MeSH D030342.

Allele frequency attached by ClinVar (database versions not stated): gnomAD exomes below 0.00001 and 0.00001; TOPMed below 0.00001.
gnomAD v4.1: 2 of 1,607,712 alleles (0.00012%); highest among the groups gnomAD compares: Non-Finnish European, 0.000085%; no homozygotes.

Submissions (2):

Ambry Genetics
Classification: Uncertain significance for Inborn genetic diseases. Last evaluated: 2025-01-08. Review status: criteria provided, single submitter. Criteria: Ambry Variant Classification Scheme 2023. Collection method: clinical testing. Allele origin: germline.

GeneDx
Classification: Uncertain significance. Last evaluated: 2022-11-17. Review status: criteria provided, single submitter. Criteria: GeneDx Variant Classification Process June 2021. Collection method: clinical testing. Allele origin: germline. Affected: yes.
Comment: See Variant Classification Assertion Criteria.

NM_004589.4(SCO1):c.104G>A (p.Gly35Glu)

Genes: SCO1 (synthesis of cytochrome C oxidase 1; minus strand), LOC112529895 (Sharpr-MPRA regulatory region 5903; plus strand). Cytogenetic location: 17p13.1.
Variant type: single nucleotide variant.
Coding change: c.104G>A on transcript NM_004589.4 (MANE Select); coding-DNA position 104, G replaced by A.
Protein change: p.Gly35Glu; replaces glycine 35 with glutamic acid.
Molecular consequence: missense variant.
Genome position (GRCh38, 1-based): chr17:10,697,404, C>T on the plus strand (G>A on the coding strand, the complement: SCO1 is on the minus strand). VCF-style: chr17-10697404-C-T. GRCh37 (hg19) VCF-style: chr17-10600721-C-T.
Other names: short protein forms G35E.
Identifiers: ClinVar variation 215122 (VCV000215122.3), dbSNP rs863224197, ClinGen allele CA323747.